The following is an entry in ClinVar:

ClinVar aggregate classification (germline): Benign (1 of 4 stars; one submission).

Conditions:
Breast-ovarian cancer, familial, susceptibility to, 2 (BROVCA2). Also called: BRCA2 Hereditary Breast and Ovarian Cancer. Identifiers: Orphanet 145, MedGen C2675520, MONDO:0012933, OMIM 612555. Disease mechanism: loss of function.

gnomAD v4.1: 56 of 1,606,976 alleles (0.0035%); highest among the groups gnomAD compares: Non-Finnish European, 0.0047%; 1 homozygote.

Submission:

Dipartimento Di Medicina Di Precisione, Università Degli Studi Della Campania Luigi Vanvitelli
Classification: Benign for Breast-ovarian cancer, familial, susceptibility to, 2. Last evaluated: 2025-07-18. Review status: criteria provided, single submitter. Criteria: ACMG Guidelines, 2015. Collection method: clinical testing. Allele origin: germline. Inheritance: Autosomal dominant inheritance. Affected: yes. Observed: 1 heterozygote.
Comment: The ATM c.662+42T>A variant is a novel deep intronic change located 42 bp downstream of exon 6. In silico predictions (e.g. SpliceAI) show no significant effect on splicing. It does not alter the canonical splice site nor create cryptic sites. It is absent in population databases and clinical literature. Classified as benign (ACMG criteria)

Literature cited by the submitters: DOI 10.3390/ijms26135928.

NM_000051.4(ATM):c.662+42T>A

Gene: ATM (ATM serine/threonine kinase; plus strand). Cytogenetic location: 11q22.3.
Variant type: single nucleotide variant.
Coding change: c.662+42T>A on transcript NM_000051.4 (MANE Select); 42 bases into the intron after coding-DNA position 662, T replaced by A.
Molecular consequence: intron variant.
Genome position (GRCh38, 1-based): chr11:108,244,160, T>A. VCF-style: chr11-108244160-T-A. GRCh37 (hg19) VCF-style: chr11-108114887-T-A.
Other names: c.662+42T>A (NM_001351834.2).
Identifiers: ClinVar variation 4057258 (VCV004057258.1).